The following is an entry in ClinVar:

ClinVar aggregate classification (germline): Pathogenic (1 of 4 stars; one submission).

Conditions:
Joubert syndrome. Also called: CEREBELLOPARENCHYMAL DISORDER IV; JOUBERT-BOLTSHAUSER SYNDROME; Familial aplasia of the vermis. Identifiers: Orphanet 475, MedGen C5979921, MONDO:0018772.
Nephronophthisis. Also called: Juvenile Nephronophthisis. Identifiers: Orphanet 655, MedGen C0687120, MONDO:0019005, HP:0000090.
Meckel-Gruber syndrome. Also called: DYSENCEPHALIA SPLANCHNOCYSTICA; GRUBER SYNDROME; Dysencephalia splachnocystica. Identifiers: Orphanet 564, MedGen C0265215, MONDO:0018921.

Submission:

Labcorp Genetics (formerly Invitae), Labcorp
Classification: Pathogenic for Joubert syndrome; Meckel-Gruber syndrome; Nephronophthisis. Last evaluated: 2023-07-24. Review status: criteria provided, single submitter. Criteria: Invitae Variant Classification Sherloc (09022015). Collection method: clinical testing. Allele origin: germline.
Comment: This sequence change creates a premature translational stop signal (p.Thr1512Metfs*8) in the CEP290 gene. It is expected to result in an absent or disrupted protein product. Loss-of-function variants in CEP290 are known to be pathogenic (PMID: 16909394, 17345604, 20690115). This variant is not present in population databases (gnomAD no frequency). This variant has not been reported in the literature in individuals affected with CEP290-related conditions. For these reasons, this variant has been classified as Pathogenic.

Literature cited by the submitters: PubMed 16909394; PubMed 17345604; PubMed 20690115.

NM_025114.4(CEP290):c.4535del (p.Thr1512fs)

Gene: CEP290 (centrosomal protein 290; minus strand). Cytogenetic location: 12q21.32.
Variant type: Deletion.
Coding change: c.4535del on transcript NM_025114.4 (MANE Select); coding-DNA position 4535, one base deleted (C; older notation c.4535delC).
Protein change: p.Thr1512fs; shifts the reading frame from threonine 1512.
Molecular consequence: frameshift variant.
Genome position (GRCh38, 1-based): chr12:88,084,755, G deleted on the plus strand (C on the coding strand, the reverse complement: CEP290 is on the minus strand). VCF-style (leftmost placement, unchanged base first): chr12-88084754-AG-A. GRCh37 (hg19) VCF-style: chr12-88478531-AG-A.
Other names: short protein forms T1512fs.
Identifiers: ClinVar variation 2950222 (VCV002950222.3), dbSNP rs2499989379, ClinGen allele CA2740092474.
Genomic context (GRCh38, chr12:88,084,754, plus strand): 5'-GTGAGATTTTGGTTCCATCTCTTTTCTGCCTAGCTCAGCTATGAGCTTTTCTCTTTCTGC[AG>A]TGGCAGGCAATCGAAGCCTCAGTTCATTGATTACTTTGTCTCTTGACAGTATATTTTGTT-3'